The following is an entry in ClinVar:

NM_020203.6(MEPE):c.971C>T (p.Ala324Val)

Genes: MEPE-AS1 (MEPE and IBSP antisense RNA 1; minus strand), MEPE (matrix extracellular phosphoglycoprotein; plus strand). Cytogenetic location: 4q22.1.
Variant type: single nucleotide variant.
Coding change: c.971C>T on transcript NM_020203.6 (MANE Select); coding-DNA position 971, C replaced by T.
Protein change: p.Ala324Val; replaces alanine 324 with valine.
Molecular consequence: missense variant.
Genome position (GRCh38, 1-based): chr4:87,845,839, C>T. VCF-style: chr4-87845839-C-T. GRCh37 (hg19) VCF-style: chr4-88766991-C-T.
Other names: c.1064C>T (NM_001291183.1); c.971C>T, p.Ala324Val (NM_001184694.3); c.632C>T, p.Ala211Val (NM_001184695.4, NM_001184696.2, NM_001184697.2); c.1064C>T, p.Ala355Val (NM_001291183.2); short protein forms A324V, A211V, A355V.
Identifiers: ClinVar variation 2400757 (VCV002400757.3), dbSNP rs113931822, ClinGen allele CA3002762.

ClinVar aggregate classification (germline): Likely benign. Review status: criteria provided, single submitter (1 of 4 stars). 2 submissions from 2 submitters: Likely benign (1). 1 of the submissions does not count toward it. Last evaluated 2022-12-19.

Conditions:
MEPE-related disorder. Also called: MEPE-related condition.

Allele frequency attached by ClinVar (database versions not stated): gnomAD exomes 0.00003; ExAC 0.00004; gnomAD 0.00014; ESP Exome Variant Server 0.00031.
gnomAD v4.1: 66 of 1,613,768 alleles (0.0041%); highest among the groups gnomAD compares: African/African-American, 0.041%; no homozygotes.

Submissions (2):

Ambry Genetics
Classification: Likely benign. Last evaluated: 2022-12-19. Review status: criteria provided, single submitter. Criteria: Ambry Variant Classification Scheme 2023. Collection method: clinical testing. Allele origin: germline.

PreventionGenetics, part of Exact Sciences
Classification: Uncertain significance for MEPE-related condition. Last evaluated: 2024-08-23. Review status: no assertion criteria provided. Collection method: clinical testing. Allele origin: germline. Not counted in ClinVar's aggregate classification.
Comment: The MEPE c.1064C>T variant is predicted to result in the amino acid substitution p.Ala355Val. To our knowledge, this variant has not been reported in the literature. This variant is reported in 0.036% of alleles in individuals of African descent in gnomAD. At this time, the clinical significance of this variant is uncertain due to the absence of conclusive functional and genetic evidence.